The following is an entry in ClinVar:

ClinVar aggregate classification (germline): Benign/Likely benign. Review status: criteria provided, multiple submitters, no conflicts (2 of 4 stars). 3 submissions from 3 submitters: Benign (2); Likely benign (1). Last evaluated 2026-09-01.

Conditions:
Encephalopathy, acute, infection-induced (herpes-specific), susceptibility to, 1. Also called: Herpes simplex encephalitis, susceptibility to, 1. Identifiers: Orphanet 1930, MedGen C2750180, MONDO:0024563, OMIM 610551.

Allele frequency attached by ClinVar (database versions not stated): 1000 Genomes Project 0.00280; ExAC 0.00457; 1000 Genomes Project 30x 0.00281; ESP Exome Variant Server 0.00211; gnomAD exomes 0.00282 and 0.00381; gnomAD 0.00262 and 0.00278; TOPMed 0.00338.
gnomAD v4.1: 4,656 of 1,611,194 alleles (0.29%); highest among the groups gnomAD compares: Middle Eastern, 3.7%; 24 homozygotes.

Submissions (3):

CeGaT Center for Human Genetics Tuebingen
Classification: Likely benign. Last evaluated: 2026-09-01. Review status: criteria provided, single submitter. Criteria: CeGaT Center For Human Genetics Tuebingen Variant Classification Criteria Version 2. Collection method: clinical testing. Allele origin: germline. Affected: yes. Observed: 12 variant alleles.
Comment: UNC93B1: BS2

Labcorp Genetics (formerly Invitae), Labcorp
Classification: Benign for Encephalopathy, acute, infection-induced (herpes-specific), susceptibility to, 1. Last evaluated: 2026-02-01. Review status: criteria provided, single submitter. Criteria: Invitae Variant Classification Sherloc (09022015). Collection method: clinical testing. Allele origin: germline.

Breakthrough Genomics
Classification: Benign. Review status: criteria provided, single submitter. Criteria: ACMG Guidelines, 2015. Collection method: not provided. Allele origin: germline. Inheritance: Unknown mechanism. Affected: yes.

NM_030930.4(UNC93B1):c.385C>A (p.Leu129Ile)

Gene: UNC93B1 (unc-93B1 regulator of TLR signaling; minus strand). Cytogenetic location: 11q13.2.
Variant type: single nucleotide variant.
Coding change: c.385C>A on transcript NM_030930.4 (MANE Select); coding-DNA position 385, C replaced by A.
Protein change: p.Leu129Ile; replaces leucine 129 with isoleucine.
Molecular consequence: missense variant.
Genome position (GRCh38, 1-based): chr11:68,003,029, G>T on the plus strand (C>A on the coding strand, the complement: UNC93B1 is on the minus strand). VCF-style: chr11-68003029-G-T. GRCh37 (hg19) VCF-style: chr11-67770499-G-T.
Other names: short protein forms L129I.
Identifiers: ClinVar variation 470497 (VCV000470497.36), dbSNP rs146593182, ClinGen allele CA6145680.